The following is an entry in ClinVar:

ClinVar aggregate classification (germline): Uncertain significance. Review status: criteria provided, multiple submitters, no conflicts (2 of 4 stars). 3 submissions from 3 submitters: Uncertain significance (2). 1 of the submissions does not count toward it. Last evaluated 2025-08-05.

Conditions:
GRIN2D-related disorder. Also called: GRIN2D-related condition.
Inborn genetic diseases. Identifiers: MedGen C0950123, MeSH D030342.

Allele frequency attached by ClinVar (database versions not stated): TOPMed below 0.00001; gnomAD 0.00001; ExAC 0.00002.
gnomAD v4.1: 40 of 1,614,094 alleles (0.0025%); highest among the groups gnomAD compares: Middle Eastern, 0.016%; no homozygotes.

Submissions (3):

Ambry Genetics
Classification: Uncertain significance for Inborn genetic diseases. Last evaluated: 2025-08-05. Review status: criteria provided, single submitter. Criteria: Ambry Variant Classification Scheme 2023. Collection method: clinical testing. Allele origin: germline.

Labcorp Genetics (formerly Invitae), Labcorp
Classification: Uncertain significance. Last evaluated: 2025-02-12. Review status: criteria provided, single submitter. Criteria: Invitae Variant Classification Sherloc (09022015). Collection method: clinical testing. Allele origin: germline.
Comment: This sequence change replaces arginine, which is basic and polar, with histidine, which is basic and polar, at codon 193 of the GRIN2D protein (p.Arg193His). This variant is present in population databases (rs778297666, gnomAD 0.003%). This variant has not been reported in the literature in individuals affected with GRIN2D-related conditions. ClinVar contains an entry for this variant (Variation ID: 1917830). Invitae Evidence Modeling of protein sequence and biophysical properties (such as structural, functional, and spatial information, amino acid conservation, physicochemical variation, residue mobility, and thermodynamic stability) indicates that this missense variant is not expected to disrupt GRIN2D protein function with a negative predictive value of 80%. In summary, the available evidence is currently insufficient to determine the role of this variant in disease. Therefore, it has been classified as a Variant of Uncertain Significance.

PreventionGenetics, part of Exact Sciences
Classification: Likely benign for GRIN2D-related condition. Last evaluated: 2023-09-05. Review status: no assertion criteria provided. Collection method: clinical testing. Allele origin: germline. Not counted in ClinVar's aggregate classification.
Comment: This variant is classified as likely benign based on ACMG/AMP sequence variant interpretation guidelines (Richards et al. 2015 PMID: 25741868, with internal and published modifications).

NM_000836.4(GRIN2D):c.578G>A (p.Arg193His)

Gene: GRIN2D (glutamate ionotropic receptor NMDA type subunit 2D; plus strand). Cytogenetic location: 19q13.33.
Variant type: single nucleotide variant.
Coding change: c.578G>A on transcript NM_000836.4 (MANE Select); coding-DNA position 578, G replaced by A.
Protein change: p.Arg193His; replaces arginine 193 with histidine.
Molecular consequence: missense variant.
Genome position (GRCh38, 1-based): chr19:48,404,846, G>A. VCF-style: chr19-48404846-G-A. GRCh37 (hg19) VCF-style: chr19-48908103-G-A.
Other names: c.578G>A (NM_000836.2); short protein forms R193H.
Identifiers: ClinVar variation 1917830 (VCV001917830.8), dbSNP rs778297666, ClinGen allele CA9550346.